The following is an entry in ClinVar:

ClinVar aggregate classification (germline): Likely pathogenic (1 of 4 stars; one submission).

Conditions:
Dilated cardiomyopathy 1G (CMD1G). Identifiers: Orphanet 154, MedGen C1858763, MONDO:0011400, OMIM 604145.
Autosomal recessive limb-girdle muscular dystrophy type 2J (LGMDR10). Also called: Limb-girdle muscular dystrophy, type 2J; MUSCULAR DYSTROPHY, LIMB-GIRDLE, AUTOSOMAL RECESSIVE 10. Identifiers: Orphanet 140922, MedGen C1837342, MONDO:0012127, OMIM 608807.

Submission:

Labcorp Genetics (formerly Invitae), Labcorp
Classification: Likely pathogenic for Dilated cardiomyopathy 1G; Autosomal recessive limb-girdle muscular dystrophy type 2J. Last evaluated: 2024-10-21. Review status: criteria provided, single submitter. Criteria: Invitae Variant Classification Sherloc (09022015). Collection method: clinical testing. Allele origin: germline.
Comment: This sequence change creates a premature translational stop signal (p.Gln28828*) in the TTN gene. While this is not anticipated to result in nonsense mediated decay, it is expected to create a truncated TTN protein. This variant is not present in population databases (gnomAD no frequency). This variant has not been reported in the literature in individuals affected with TTN-related conditions. This variant is located in the A band of TTN (PMID: 25589632). Truncating variants in this region are significantly overrepresented in patients affected with dilated cardiomyopathy (PMID: 25589632). Truncating variants in this region have also been reported in individuals affected with autosomal recessive centronuclear myopathy (PMID: 23975875). In summary, the currently available evidence indicates that the variant is pathogenic, but additional data are needed to prove that conclusively. Therefore, this variant has been classified as Likely Pathogenic.

Literature cited by the submitters: PubMed 25589632; PubMed 23975875.

NM_001267550.2(TTN):c.86482C>T (p.Gln28828Ter)

Genes: TTN-AS1 (TTN antisense RNA 1; plus strand), TTN (titin; minus strand). Cytogenetic location: 2q31.2.
Variant type: single nucleotide variant.
Coding change: c.86482C>T on transcript NM_001267550.2 (MANE Select); coding-DNA position 86482, C replaced by T.
Protein change: p.Gln28828Ter; replaces glutamine 28828 with a stop codon.
Molecular consequence: nonsense.
Genome position (GRCh38, 1-based): chr2:178,559,650, G>A on the plus strand (C>T on the coding strand, the complement: TTN is on the minus strand). VCF-style: chr2-178559650-G-A. GRCh37 (hg19) VCF-style: chr2-179424377-G-A.
Other names: c.81559C>T, p.Gln27187Ter (NM_001256850.1); c.59287C>T, p.Gln19763Ter (NM_003319.4); c.78778C>T, p.Gln26260Ter (NM_133378.4); c.59662C>T, p.Gln19888Ter (NM_133432.3); c.59863C>T, p.Gln19955Ter (NM_133437.4); short protein forms Q19763*, Q19888*, Q19955*, Q26260*, Q27187*, Q28828*.
Identifiers: ClinVar variation 3759535 (VCV003759535.2).
Genomic context (GRCh38, chr2:178,559,650, plus strand): 5'-GACCTGGGGTATCTAAAACTTTGACAACTAAGGTCAGTGAAGCAGCACTCAAAACATTCT[G>A]AATTGTTAATGTGTACTTTCCAGAGTCATTTCTGTTGGCATTTTCAATGGTCAGTGATGT-3'